The following is an entry in ClinVar:

NM_025136.4(OPA3):c.460A>C (p.Thr154Pro)

Genes: OPA3 (outer mitochondrial membrane lipid metabolism regulator OPA3; minus strand), OPA3-RTN2 (OPA3-RTN2 readthrough; minus strand). Cytogenetic location: 19q13.32.
Variant type: single nucleotide variant.
Coding change: c.460A>C on transcript NM_025136.4 (MANE Select); coding-DNA position 460, A replaced by C.
Protein change: p.Thr154Pro; replaces threonine 154 with proline.
Molecular consequence: missense variant. On other transcripts: intron variant (1).
Genome position (GRCh38, 1-based): chr19:45,553,594, T>G on the plus strand (A>C on the coding strand, the complement: OPA3 is on the minus strand). VCF-style: chr19-45553594-T-G. GRCh37 (hg19) VCF-style: chr19-46056852-T-G.
Other names: c.143-24138A>C (NM_001017989.3); short protein forms T154P.
Identifiers: ClinVar variation 4788784 (VCV004788784.1).

ClinVar aggregate classification (germline): Uncertain significance (1 of 4 stars; one submission).

Conditions:
Optic atrophy 3 (OPA3). Also called: OPTIC ATROPHY 3, AUTOSOMAL DOMINANT; Optic atrophy, cataract, and neurologic disorder; Optic atrophy 3 with cataract. Identifiers: Orphanet 67036, MedGen C1833809, MONDO:0008133, OMIM 165300.
3-Methylglutaconic aciduria type 3 (MGCA3). Also called: OPA3, AUTOSOMAL RECESSIVE; OPTIC ATROPHY 3, AUTOSOMAL RECESSIVE; Costeff Syndrome; OPA3-Related 3-Methylglutaconic Aciduria. Identifiers: Orphanet 67047, MedGen C0574084, MONDO:0009787, OMIM 258501.

Submission:

Labcorp Genetics (formerly Invitae), Labcorp
Classification: Uncertain significance for 3-Methylglutaconic aciduria type 3; Optic atrophy 3. Last evaluated: 2025-10-23. Review status: criteria provided, single submitter. Criteria: Invitae Variant Classification Sherloc (09022015). Collection method: clinical testing. Allele origin: germline.
Comment: This sequence change replaces threonine, which is neutral and polar, with proline, which is neutral and non-polar, at codon 154 of the OPA3 protein (p.Thr154Pro). This variant is not present in population databases (gnomAD no frequency). This variant has not been reported in the literature in individuals affected with OPA3-related conditions. An algorithm developed to predict the effect of missense changes on protein structure and function (PolyPhen-2) suggests that this variant is likely to be tolerated. In summary, the available evidence is currently insufficient to determine the role of this variant in disease. Therefore, it has been classified as a Variant of Uncertain Significance.